The following is an entry in ClinVar:

NM_025179.4(PLXNA2):c.2587-8T>C

Gene: PLXNA2 (plexin A2; minus strand). Cytogenetic location: 1q32.2.
Variant type: single nucleotide variant.
Coding change: c.2587-8T>C on transcript NM_025179.4 (MANE Select); 8 bases into the intron before coding-DNA position 2587, T replaced by C.
Molecular consequence: intron variant.
Genome position (GRCh38, 1-based): chr1:208,060,845, A>G on the plus strand (T>C on the coding strand, the complement: PLXNA2 is on the minus strand). VCF-style: chr1-208060845-A-G. GRCh37 (hg19) VCF-style: chr1-208234190-A-G.
Identifiers: ClinVar variation 3358268 (VCV003358268.1).
Genomic context (GRCh38, chr1:208,060,845, plus strand): 5'-CCATGGATGGTCACTCGCGTCCCTCCTTCCGGCGGTCCAGACACCGTCAAAATCTGCAGG[A>G]GGGAAATGGGATTAGCAATTTGGTTTGGTCACAGGAACAGAAACAGCAGCACCCTTCCCC-3'

ClinVar aggregate classification (germline): Likely benign (0 of 4 stars; one submission).

Conditions:
PLXNA2-related disorder. Also called: PLXNA2-related condition.

gnomAD v4.1: 33 of 1,613,360 alleles (0.002%); highest among the groups gnomAD compares: Non-Finnish European, 0.0027%; no homozygotes.

Submission:

PreventionGenetics, part of Exact Sciences
Classification: Likely benign for PLXNA2-related condition. Last evaluated: 2023-07-12. Review status: no assertion criteria provided. Collection method: clinical testing. Allele origin: germline.
Comment: This variant is classified as likely benign based on ACMG/AMP sequence variant interpretation guidelines (Richards et al. 2015 PMID: 25741868, with internal and published modifications).